The following is an entry in ClinVar:

ClinVar aggregate classification (germline): Likely benign (1 of 4 stars; one submission).

gnomAD v4.1: 3 of 1,613,918 alleles (0.00019%); highest among the groups gnomAD compares: Non-Finnish European, 0.00025%; no homozygotes.

Submission:

CeGaT Center for Human Genetics Tuebingen
Classification: Likely benign. Last evaluated: 2023-04-01. Review status: criteria provided, single submitter. Criteria: CeGaT Center For Human Genetics Tuebingen Variant Classification Criteria Version 2. Collection method: clinical testing. Allele origin: germline. Affected: yes. Observed: 1 variant allele.
Comment: ZNF292: PM2:Supporting, BP4, BP7

NM_015021.3(ZNF292):c.2622A>G (p.Ser874=)

Gene: ZNF292 (zinc finger protein 292; plus strand). Cytogenetic location: 6q14.3.
Variant type: single nucleotide variant.
Coding change: c.2622A>G on transcript NM_015021.3 (MANE Select); coding-DNA position 2622, A replaced by G.
Protein change: p.Ser874=; no amino-acid change (serine 874 retained).
Molecular consequence: synonymous variant.
Genome position (GRCh38, 1-based): chr6:87,256,251, A>G. VCF-style: chr6-87256251-A-G. GRCh37 (hg19) VCF-style: chr6-87965969-A-G.
Other names: c.2202A>G, p.Ser734= (NM_001351444.2).
Identifiers: ClinVar variation 2571256 (VCV002571256.27), dbSNP rs1031100251, ClinGen allele CA451343205.